The following is an entry in ClinVar:

NM_006218.4(PIK3CA):c.2139T>C (p.Ile713=)

Gene: PIK3CA (phosphatidylinositol-4,5-bisphosphate 3-kinase catalytic subunit alpha; plus strand). Cytogenetic location: 3q26.32.
Variant type: single nucleotide variant.
Coding change: c.2139T>C on transcript NM_006218.4 (MANE Select); coding-DNA position 2139, T replaced by C.
Protein change: p.Ile713=; no amino-acid change (isoleucine 713 retained).
Molecular consequence: synonymous variant.
Genome position (GRCh38, 1-based): chr3:179,221,109, T>C. VCF-style: chr3-179221109-T-C. GRCh37 (hg19) VCF-style: chr3-178938897-T-C.
Identifiers: ClinVar variation 4823782 (VCV004823782.4).

ClinVar aggregate classification (germline): Likely benign (1 of 4 stars; one submission).

Submission:

CeGaT Center for Human Genetics Tuebingen
Classification: Likely benign. Last evaluated: 2026-03-01. Review status: criteria provided, single submitter. Criteria: CeGaT Center For Human Genetics Tuebingen Variant Classification Criteria Version 2. Collection method: clinical testing. Allele origin: germline. Affected: yes. Observed: 1 variant allele.
Comment: PIK3CA: PM2:Supporting, BP4, BP7